The following is an entry in ClinVar:

NM_007347.5(AP4E1):c.2905-8A>G

Gene: AP4E1 (adaptor related protein complex 4 subunit epsilon 1; plus strand). Cytogenetic location: 15q21.2.
Variant type: single nucleotide variant.
Coding change: c.2905-8A>G on transcript NM_007347.5 (MANE Select); 8 bases into the intron before coding-DNA position 2905, A replaced by G.
Molecular consequence: intron variant.
Genome position (GRCh38, 1-based): chr15:50,999,064, A>G. VCF-style: chr15-50999064-A-G. GRCh37 (hg19) VCF-style: chr15-51291261-A-G.
Other names: p.?; c.2680-8A>G (NM_001252127.2).
Identifiers: ClinVar variation 128399 (VCV000128399.21), dbSNP rs56813592, ClinGen allele CA151844.

ClinVar aggregate classification (germline): Benign. Review status: criteria provided, multiple submitters, no conflicts (2 of 4 stars). 7 submissions from 6 submitters: Benign (6). 1 of the submissions does not count toward it. Last evaluated 2026-01-27.

Conditions:
Spastic paraplegia. Identifiers: MedGen C0037772, HP:0001258.
Stuttering, familial persistent, 1. Also called: STAMMERING. Identifiers: MedGen C3489627, MONDO:0008483, OMIM 184450.
Hereditary spastic paraplegia. Also called: Familial spastic paraparesis. Identifiers: Orphanet 685, MedGen C0037773, MONDO:0019064. Disease mechanism: loss of function.
Hereditary spastic paraplegia 51. Also called: CEREBRAL PALSY, SPASTIC QUADRIPLEGIC, 4; Spastic paraplegia 51, autosomal recessive. Identifiers: Orphanet 280763, MedGen C3151056, MONDO:0013401, OMIM 613744.

Allele frequency attached by ClinVar (database versions not stated): ESP Exome Variant Server 0.01872; TOPMed 0.01883; 1000 Genomes Project 0.01897; 1000 Genomes Project 30x 0.01983; gnomAD exomes 0.00423; ExAC 0.00529; gnomAD 0.01727 and 0.01851.

Submissions (7):

Labcorp Genetics (formerly Invitae), Labcorp
Classification: Benign for Spastic paraplegia. Last evaluated: 2026-01-27. Review status: criteria provided, single submitter. Criteria: Invitae Variant Classification Sherloc (09022015). Collection method: clinical testing. Allele origin: germline.

Genome-Nilou Lab
Classification: Benign for Hereditary spastic paraplegia 51. Last evaluated: 2021-12-05. Review status: criteria provided, single submitter. Criteria: ACMG Guidelines, 2015. Collection method: clinical testing. Allele origin: germline. Affected: no.

Genome-Nilou Lab
Classification: Benign for Stuttering, familial persistent, 1. Last evaluated: 2021-12-05. Review status: criteria provided, single submitter. Criteria: ACMG Guidelines, 2015. Collection method: clinical testing. Allele origin: germline. Affected: no.

Genome Diagnostics Laboratory, The Hospital for Sick Children
Classification: Benign for Hereditary spastic paraplegia. Last evaluated: 2020-04-01. Review status: criteria provided, single submitter. Criteria: ACMG Guidelines, 2015. Collection method: clinical testing. Allele origin: germline. Affected: yes.

Mayo Clinic Laboratories, Mayo Clinic
Classification: Benign. Last evaluated: 2019-12-12. Review status: criteria provided, single submitter. Criteria: ACMG Guidelines, 2015. Collection method: clinical testing. Allele origin: germline. Observed: 6 variant alleles.

GeneDx
Classification: Benign. Last evaluated: 2018-03-07. Review status: criteria provided, single submitter. Criteria: GeneDx Variant Classification (06012015). Collection method: clinical testing. Allele origin: germline. Affected: yes.
Comment: This variant is considered likely benign or benign based on one or more of the following criteria: it is a conservative change, it occurs at a poorly conserved position in the protein, it is predicted to be benign by multiple in silico algorithms, and/or has population frequency not consistent with disease.

Genetic Services Laboratory, University of Chicago
Classification: Likely benign for AllHighlyPenetrant. Review status: no assertion criteria provided. Collection method: clinical testing. Allele origin: germline. Inheritance: Autosomal recessive inheritance. Not counted in ClinVar's aggregate classification.
Comment: Likely benign based on allele frequency in 1000 Genomes Project or ESP global frequency and its presence in a patient with a rare or unrelated disease phenotype. NOT Sanger confirmed.